The following is an entry in ClinVar:

ClinVar aggregate classification (germline): Likely benign. Review status: criteria provided, multiple submitters, no conflicts (2 of 4 stars). 4 submissions from 4 submitters: Likely benign (4). Last evaluated 2026-05-06.

Conditions:
Muscular dystrophy-dystroglycanopathy (congenital with impaired intellectual development), type B, 3. Also called: Muscular dystrophy-dystroglycanopathy (congenital with intellectual disability), type B3; MUSCULAR DYSTROPHY, CONGENITAL, POMGNT1-RELATED. Identifiers: MedGen C3150412, MONDO:0013155, OMIM 613151.
Autosomal recessive limb-girdle muscular dystrophy type 2O. Also called: Limb-Girdle Muscular Dystrophy Type 3C; MUSCULAR DYSTROPHY-DYSTROGLYCANOPATHY (LIMB-GIRDLE), TYPE C, 3; MUSCULAR DYSTROPHY-DYSTROGLYCANOPATHY, LIMB-GIRDLE, POMGNT1-RELATED. Identifiers: Orphanet 206564, MedGen C3150417, MONDO:0013161, OMIM 613157.

Allele frequency attached by ClinVar (database versions not stated): 1000 Genomes Project 0.00020; gnomAD exomes 0.00004 and 0.00010; ExAC 0.00025; 1000 Genomes Project 30x 0.00031; TOPMed 0.00035; gnomAD 0.00038; ESP Exome Variant Server 0.00054.
gnomAD v4.1: 115 of 1,574,116 alleles (0.0073%); highest among the groups gnomAD compares: African/African-American, 0.14%; no homozygotes.

Submissions (4):

Women's Health and Genetics/Laboratory Corporation of America, LabCorp
Classification: Likely benign. Last evaluated: 2026-05-06. Review status: criteria provided, single submitter. Criteria: LabCorp Variant Classification Summary - May 2015. Collection method: clinical testing. Allele origin: germline.

Labcorp Genetics (formerly Invitae), Labcorp
Classification: Likely benign for Autosomal recessive limb-girdle muscular dystrophy type 2O; Muscular dystrophy-dystroglycanopathy (congenital with impaired intellectual development), type B, 3. Last evaluated: 2026-02-01. Review status: criteria provided, single submitter. Criteria: Invitae Variant Classification Sherloc (09022015). Collection method: clinical testing. Allele origin: germline.

Blueprint Genetics
Classification: Likely benign. Last evaluated: 2023-03-31. Review status: criteria provided, single submitter. Criteria: ACMG Guidelines, 2015. Collection method: clinical testing. Allele origin: germline.

GeneDx
Classification: Likely benign. Last evaluated: 2016-08-08. Review status: criteria provided, single submitter. Criteria: GeneDx Variant Classification (06012015). Collection method: clinical testing. Allele origin: germline. Affected: yes.
Comment: This variant is considered likely benign or benign based on one or more of the following criteria: it is a conservative change, it occurs at a poorly conserved position in the protein, it is predicted to be benign by multiple in silico algorithms, and/or has population frequency not consistent with disease.

NM_017739.4(POMGNT1):c.534+15C>T

Genes: POMGNT1 (protein O-linked mannose N-acetylglucosaminyltransferase 1 (beta 1,2-); minus strand), TSPAN1 (tetraspanin 1; plus strand). Cytogenetic location: 1p34.1.
Variant type: single nucleotide variant.
Coding change: c.534+15C>T on transcript NM_017739.4 (MANE Select); 15 bases into the intron after coding-DNA position 534, C replaced by T.
Molecular consequence: intron variant.
Genome position (GRCh38, 1-based): chr1:46,195,796, G>A on the plus strand (C>T on the coding strand, the complement: POMGNT1 is on the minus strand). VCF-style: chr1-46195796-G-A. GRCh37 (hg19) VCF-style: chr1-46661468-G-A.
Other names: c.534+15C>T (NM_001243766.2, NM_001438686.1, NM_001438688.1 and 3 more transcripts); c.468+15C>T (NM_001290129.3, NM_001438691.1, NM_001438692.1); c.105+15C>T (NM_001290130.2).
Identifiers: ClinVar variation 387862 (VCV000387862.11), dbSNP rs141676863, ClinGen allele CA833708.